The following is an entry in ClinVar:

ClinVar aggregate classification (germline): Likely benign. Review status: criteria provided, multiple submitters, no conflicts (2 of 4 stars). 3 submissions from 3 submitters: Likely benign (3). Last evaluated 2025-10-19.

Conditions:
Inborn genetic diseases. Identifiers: MedGen C0950123, MeSH D030342.
Fanconi anemia (FA). Also called: Fanconi's anemia. Identifiers: Orphanet 84, MedGen C0015625, MeSH D005199, MONDO:0019391.

Allele frequency attached by ClinVar (database versions not stated): gnomAD exomes below 0.00001.
gnomAD v4.1: 1 of 1,612,304 alleles (0.000062%); highest among the groups gnomAD compares: Admixed American, 0.0017%; no homozygotes.

Submissions (3):

Ambry Genetics
Classification: Likely benign for Inborn genetic diseases. Last evaluated: 2025-10-19. Review status: criteria provided, single submitter. Criteria: Ambry Variant Classification Scheme 2023. Collection method: clinical testing. Allele origin: germline.

CeGaT Center for Human Genetics Tuebingen
Classification: Likely benign. Last evaluated: 2022-09-01. Review status: criteria provided, single submitter. Criteria: CeGaT Center For Human Genetics Tuebingen Variant Classification Criteria Version 2. Collection method: clinical testing. Allele origin: germline. Affected: yes. Observed: 1 variant allele.
Comment: FANCA: BP4, BP7

Labcorp Genetics (formerly Invitae), Labcorp
Classification: Likely benign for Fanconi anemia. Last evaluated: 2021-05-22. Review status: criteria provided, single submitter. Criteria: Invitae Variant Classification Sherloc (09022015). Collection method: clinical testing. Allele origin: germline.

NM_000135.4(FANCA):c.183G>A (p.Leu61=)

Gene: FANCA (FA complementation group A; minus strand). Cytogenetic location: 16q24.3.
Variant type: single nucleotide variant.
Coding change: c.183G>A on transcript NM_000135.4 (MANE Select); coding-DNA position 183, G replaced by A.
Protein change: p.Leu61=; no amino-acid change (leucine 61 retained).
Molecular consequence: synonymous variant.
Genome position (GRCh38, 1-based): chr16:89,815,883, C>T on the plus strand (G>A on the coding strand, the complement: FANCA is on the minus strand). VCF-style: chr16-89815883-C-T. GRCh37 (hg19) VCF-style: chr16-89882291-C-T.
Other names: c.183G>A, p.Leu61= (NM_001018112.3, NM_001286167.3, NM_001351830.2); c.183G>A (NM_000135.2).
Identifiers: ClinVar variation 1662895 (VCV001662895.31), dbSNP rs1447656431, ClinGen allele CA497196725.